The following is an entry in ClinVar:

ClinVar aggregate classification (germline): Uncertain significance (1 of 4 stars; one submission).

Conditions:
Nephronophthisis. Also called: Juvenile Nephronophthisis. Identifiers: Orphanet 655, MedGen C0687120, MONDO:0019005, HP:0000090.

gnomAD v4.1: 2 of 1,601,544 alleles (0.00012%); highest among the groups gnomAD compares: Non-Finnish European, 0.00017%; no homozygotes.

Submission:

Labcorp Genetics (formerly Invitae), Labcorp
Classification: Uncertain significance for Nephronophthisis. Last evaluated: 2020-03-11. Review status: criteria provided, single submitter. Criteria: Invitae Variant Classification Sherloc (09022015). Collection method: clinical testing. Allele origin: germline.
Comment: In summary, the available evidence is currently insufficient to determine the role of this variant in disease. Therefore, it has been classified as a Variant of Uncertain Significance. Algorithms developed to predict the effect of missense changes on protein structure and function (SIFT, PolyPhen-2, Align-GVGD) all suggest that this variant is likely to be tolerated, but these predictions have not been confirmed by published functional studies and their clinical significance is uncertain. This variant has not been reported in the literature in individuals with NPHP4-related conditions. This variant is not present in population databases (ExAC no frequency). This sequence change replaces serine with asparagine at codon 481 of the NPHP4 protein (p.Ser481Asn). The serine residue is weakly conserved and there is a small physicochemical difference between serine and asparagine.

NM_015102.5(NPHP4):c.1442G>A (p.Ser481Asn)

Gene: NPHP4 (nephrocystin 4; minus strand). Cytogenetic location: 1p36.31.
Variant type: single nucleotide variant.
Coding change: c.1442G>A on transcript NM_015102.5 (MANE Select); coding-DNA position 1442, G replaced by A.
Protein change: p.Ser481Asn; replaces serine 481 with asparagine.
Molecular consequence: missense variant. On other transcripts: non-coding transcript variant (1), intron variant (2).
Genome position (GRCh38, 1-based): chr1:5,909,213, C>T on the plus strand (G>A on the coding strand, the complement: NPHP4 is on the minus strand). VCF-style: chr1-5909213-C-T. GRCh37 (hg19) VCF-style: chr1-5969273-C-T.
Other names: c.76-3430G>A (NM_001291594.2); c.76-3433G>A (NM_001291593.2); short protein forms S481N.
Identifiers: ClinVar variation 1010068 (VCV001010068.8), dbSNP rs1645059863, ClinGen allele CA338057690.